The following is an entry in ClinVar:

ClinVar aggregate classification (germline): Uncertain significance. Review status: criteria provided, multiple submitters, no conflicts (2 of 4 stars). 2 submissions from 2 submitters: Uncertain significance (2). Last evaluated 2026-04-21.

Conditions:
PLXNA3-related disorder. Also called: PLXNA3-related condition.

Allele frequency attached by ClinVar (database versions not stated): ExAC 0.00002; gnomAD 0.00004; TOPMed 0.00007; ESP Exome Variant Server 0.00009.
gnomAD v4.1: 38 of 1,208,861 alleles (0.0031%); highest among the groups gnomAD compares: Middle Eastern, 0.023%; no homozygotes.

Submissions (2):

PreventionGenetics, part of Exact Sciences
Classification: Uncertain significance for PLXNA3-related condition. Last evaluated: 2026-04-21. Review status: criteria provided, single submitter. Criteria: ACMG Guidelines, 2015. Collection method: clinical testing. Allele origin: germline.
Comment: The PLXNA3 c.1838G>A variant is predicted to result in the amino acid substitution p.Arg613His. To our knowledge, this variant has not been reported in the literature. This variant is reported in 0.015% of alleles in individuals of African descent in gnomAD. At this time, the clinical significance of this variant is uncertain due to the absence of conclusive functional and genetic evidence.

Ambry Genetics
Classification: Uncertain significance. Last evaluated: 2024-10-23. Review status: criteria provided, single submitter. Criteria: Ambry Variant Classification Scheme 2023. Collection method: clinical testing. Allele origin: germline.

NM_017514.5(PLXNA3):c.1838G>A (p.Arg613His)

Gene: PLXNA3 (plexin A3; plus strand). Cytogenetic location: Xq28.
Variant type: single nucleotide variant.
Coding change: c.1838G>A on transcript NM_017514.5 (MANE Select); coding-DNA position 1838, G replaced by A.
Protein change: p.Arg613His; replaces arginine 613 with histidine.
Molecular consequence: missense variant.
Genome position (GRCh38, 1-based): chrX:154,464,411, G>A. VCF-style: chrX-154464411-G-A. GRCh37 (hg19) VCF-style: chrX-153692754-G-A.
Other names: c.1838G>A (NM_017514.3); short protein forms R613H.
Identifiers: ClinVar variation 3036297 (VCV003036297.4), dbSNP rs372028579, ClinGen allele CA10564195.